The following is an entry in ClinVar:

ClinVar aggregate classification (germline): Uncertain significance (1 of 4 stars; one submission).

Submission:

Labcorp Genetics (formerly Invitae), Labcorp
Classification: Uncertain significance. Last evaluated: 2022-08-27. Review status: criteria provided, single submitter. Criteria: Invitae Variant Classification Sherloc (09022015). Collection method: clinical testing. Allele origin: germline.
Comment: In summary, the available evidence is currently insufficient to determine the role of this variant in disease. Therefore, it has been classified as a Variant of Uncertain Significance. Algorithms developed to predict the effect of missense changes on protein structure and function are either unavailable or do not agree on the potential impact of this missense change (SIFT: "Deleterious"; PolyPhen-2: "Probably Damaging"; Align-GVGD: "Class C15"). This variant has not been reported in the literature in individuals affected with DRP2-related conditions. This variant is not present in population databases (gnomAD no frequency). This sequence change replaces serine, which is neutral and polar, with phenylalanine, which is neutral and non-polar, at codon 90 of the DRP2 protein (p.Ser90Phe).

NM_001939.3(DRP2):c.269C>T (p.Ser90Phe)

Gene: DRP2 (dystrophin related protein 2; plus strand). Cytogenetic location: Xq22.1.
Variant type: single nucleotide variant.
Coding change: c.269C>T on transcript NM_001939.3 (MANE Select); coding-DNA position 269, C replaced by T.
Protein change: p.Ser90Phe; replaces serine 90 with phenylalanine.
Molecular consequence: missense variant.
Genome position (GRCh38, 1-based): chrX:101,236,011, C>T. VCF-style: chrX-101236011-C-T. GRCh37 (hg19) VCF-style: chrX-100491000-C-T.
Other names: c.35C>T, p.Ser12Phe (NM_001171184.2); short protein forms S90F, S12F.
Identifiers: ClinVar variation 2004190 (VCV002004190.4), dbSNP rs2147336048, ClinGen allele CA413911418.
Genomic context (GRCh38, chrX:101,236,011, plus strand): 5'-CCTCTGGACCCCTGGAACCACCAGCCATGAATCTGTGTTGGAATGAAATAAAAAAGAAGT[C>T]TCACAACCTCCGGTAAGAAACAGGTGCCTTAGGGAATTGGCTTAGATGGTGTTGGGCTCC-3'
Protein context (NP_001930.2, residues 80-100): NLCWNEIKKK[Ser90Phe]HNLRARLEAF